The following is an entry in ClinVar:

NM_005618.4(DLL1):c.1353G>A (p.Pro451=)

Gene: DLL1 (delta like canonical Notch ligand 1; minus strand). Cytogenetic location: 6q27.
Variant type: single nucleotide variant.
Coding change: c.1353G>A on transcript NM_005618.4 (MANE Select); coding-DNA position 1353, G replaced by A.
Protein change: p.Pro451=; no amino-acid change (proline 451 retained).
Molecular consequence: synonymous variant.
Genome position (GRCh38, 1-based): chr6:170,283,926, C>T on the plus strand (G>A on the coding strand, the complement: DLL1 is on the minus strand). VCF-style: chr6-170283926-C-T. GRCh37 (hg19) VCF-style: chr6-170593014-C-T.
Other names: c.1353G>A (NM_005618.3).
Identifiers: ClinVar variation 2964229 (VCV002964229.6), dbSNP rs374095083, ClinGen allele CA4106848.

ClinVar aggregate classification (germline): Likely benign. Review status: criteria provided, multiple submitters, no conflicts (2 of 4 stars). 3 submissions from 3 submitters: Likely benign (2). 1 of the submissions does not count toward it. Last evaluated 2026-06-03.

Conditions:
Inborn genetic diseases. Identifiers: MedGen C0950123, MeSH D030342.
DLL1-related disorder. Also called: DLL1-related condition.

Allele frequency attached by ClinVar (database versions not stated): 1000 Genomes Project 30x 0.00016; ESP Exome Variant Server 0.00008; 1000 Genomes Project 0.00020.
gnomAD v4.1: 27 of 1,599,256 alleles (0.0017%); highest among the groups gnomAD compares: Middle Eastern, 0.051%; no homozygotes.

Submissions (3):

Ambry Genetics
Classification: Likely benign for Inborn genetic diseases. Last evaluated: 2026-06-03. Review status: criteria provided, single submitter. Criteria: Ambry Variant Classification Scheme 2023. Collection method: clinical testing. Allele origin: germline.

Labcorp Genetics (formerly Invitae), Labcorp
Classification: Likely benign. Last evaluated: 2024-02-17. Review status: criteria provided, single submitter. Criteria: Invitae Variant Classification Sherloc (09022015). Collection method: clinical testing. Allele origin: germline.

PreventionGenetics, part of Exact Sciences
Classification: Likely benign for DLL1-related condition. Last evaluated: 2019-06-11. Review status: no assertion criteria provided. Collection method: clinical testing. Allele origin: germline. Not counted in ClinVar's aggregate classification.
Comment: This variant is classified as likely benign based on ACMG/AMP sequence variant interpretation guidelines (Richards et al. 2015 PMID: 25741868, with internal and published modifications).